The following is an entry in ClinVar:

NM_024721.5(ZFHX4):c.5710dup (p.Ala1904fs)

Gene: ZFHX4 (zinc finger homeobox 4; plus strand). Cytogenetic location: 8q21.13.
Variant type: Duplication.
Coding change: c.5710dup on transcript NM_024721.5 (MANE Select); coding-DNA position 5710, one base duplicated (G; older notation c.5710dupG).
Protein change: p.Ala1904fs; shifts the reading frame from alanine 1904.
Molecular consequence: frameshift variant.
Genome position (GRCh38, 1-based): chr8:76,852,631, G duplicated; the last of 4 consecutive G bases (chr8:76,852,628-76,852,631); duplicating any one gives the same sequence. VCF-style (leftmost placement, unchanged base first): chr8-76852627-A-AG. GRCh37 (hg19) VCF-style: chr8-77764863-A-AG.
Other names: c.5632dup, p.Ala1878fs (NM_001410934.1); short protein forms A1878fs, A1904fs.
Identifiers: ClinVar variation 4076341 (VCV004076341.1).

ClinVar aggregate classification (germline): Uncertain significance (1 of 4 stars; one submission).

Conditions:
Ptosis, hereditary congenital, 1. Identifiers: Orphanet 91411, MedGen C1867438, MONDO:0979905, OMIM 178300.

Submission:

Laboratorio de Genetica e Diagnostico Molecular, Hospital Israelita Albert Einstein
Classification: Uncertain significance for Ptosis, hereditary congenital, 1. Last evaluated: 2024-03-22. Review status: criteria provided, single submitter. Criteria: ACMG Guidelines, 2015. Collection method: clinical testing. Allele origin: germline. Affected: yes.
Comment: ACMG classification criteria: PM2 supporting